The following is an entry in ClinVar:

NC_000002.11:g.(?_179404280)_(179552552_?)del

Gene: TTN (titin; minus strand). Cytogenetic location: 2q31.2.
Variant type: Deletion.
Identifiers: ClinVar variation 3247297 (VCV003247297.1).

ClinVar aggregate classification (germline): Likely pathogenic (1 of 4 stars; one submission).

Conditions:
Autosomal recessive limb-girdle muscular dystrophy type 2J (LGMDR10). Also called: Limb-girdle muscular dystrophy, type 2J; MUSCULAR DYSTROPHY, LIMB-GIRDLE, AUTOSOMAL RECESSIVE 10. Identifiers: Orphanet 140922, MedGen C1837342, MONDO:0012127, OMIM 608807.
Dilated cardiomyopathy 1G (CMD1G). Identifiers: Orphanet 154, MedGen C1858763, MONDO:0011400, OMIM 604145.

Submission:

Labcorp Genetics (formerly Invitae), Labcorp
Classification: Likely pathogenic for Dilated cardiomyopathy 1G; Autosomal recessive limb-girdle muscular dystrophy type 2J. Last evaluated: 2019-03-22. Review status: criteria provided, single submitter. Criteria: Invitae Variant Classification Sherloc (09022015). Collection method: clinical testing. Allele origin: unknown.
Comment: In summary, the currently available evidence indicates that the variant is pathogenic, but additional data are needed to prove that conclusively. Therefore, this variant has been classified as Likely Pathogenic. The truncation occurs in the A band of TTN (PMID: 25589632). Truncating variants in this region are significantly overrepresented in patients affected with dilated cardiomyopathy (PMID: 25589632). Truncating variants in this region have also been reported in individuals affected with autosomal recessive centronuclear myopathy (PMID: 23975875). This variant has not been reported in the literature in individuals with TTN-related conditions. This variant is a deletion of the genomic region encompassing exons 128-351 and part of exon 352 (c.32311+286_98512del) of the TTN gene. While this is not anticipated to result in nonsense mediated decay,¬†it is expected to create a truncated TTN protein.

Literature cited by the submitters: PubMed 25589632; PubMed 23975875.